The following is an entry in ClinVar:

NM_005359.6(SMAD4):c.510A>G (p.Pro170=)

Gene: SMAD4 (SMAD family member 4; plus strand). Cytogenetic location: 18q21.2.
Variant type: single nucleotide variant.
Coding change: c.510A>G on transcript NM_005359.6 (MANE Select); coding-DNA position 510, A replaced by G.
Protein change: p.Pro170=; no amino-acid change (proline 170 retained).
Molecular consequence: synonymous variant.
Genome position (GRCh38, 1-based): chr18:51,054,836, A>G. VCF-style: chr18-51054836-A-G. GRCh37 (hg19) VCF-style: chr18-48581206-A-G.
Identifiers: ClinVar variation 386414 (VCV000386414.16), dbSNP rs144226135, ClinGen allele CA8965824.

ClinVar aggregate classification (germline): Benign/Likely benign. Review status: criteria provided, multiple submitters, no conflicts (2 of 4 stars). 6 submissions from 6 submitters: Benign (1); Likely benign (5). Last evaluated 2025-09-24.

Conditions:
Juvenile polyposis syndrome (JPS). Identifiers: Orphanet 2929, MedGen C0345893, MONDO:0017380, OMIM 174900.
Hereditary cancer-predisposing syndrome. Also called: Neoplastic Syndromes, Hereditary; Hereditary Cancer Syndrome; Hereditary neoplastic syndrome; Tumor predisposition. Identifiers: Orphanet 140162, MedGen C0027672, MeSH D009386, MONDO:0015356.
Familial thoracic aortic aneurysm and aortic dissection (TAAD). Also called: Thoracic aortic aneurysms and dissections. Identifiers: Orphanet 91387, MedGen C4707243, MONDO:0019625.
Juvenile polyposis/hereditary hemorrhagic telangiectasia syndrome (JPHT). Also called: POLYPOSIS, GENERALIZED JUVENILE, WITH PULMONARY ARTERIOVENOUS MALFORMATION; TELANGIECTASIA, HEREDITARY HEMORRHAGIC, WITH JUVENILE POLYPOSIS COLI; Juvenile Polyposis Syndrome / Hereditary Hemorrhagic Telangiectasia (JPS/HHT); JP/HHT SYNDROME; JUVENILE POLYPOSIS WITH HEREDITARY HEMORRHAGIC TELANGIECTASIA. Identifiers: Orphanet 2929, MedGen C1832942, MONDO:0008278, OMIM 175050.

Allele frequency attached by ClinVar (database versions not stated): gnomAD exomes below 0.00001 and 0.00001; ExAC 0.00001; gnomAD 0.00001; TOPMed 0.00001; 1000 Genomes Project 30x 0.00016; 1000 Genomes Project 0.00020.
gnomAD v4.1: 3 of 1,614,088 alleles (0.00019%); highest among the groups gnomAD compares: East Asian, 0.0045%; no homozygotes.

Submissions (6):

Labcorp Genetics (formerly Invitae), Labcorp
Classification: Likely benign for Juvenile polyposis syndrome. Last evaluated: 2025-09-24. Review status: criteria provided, single submitter. Criteria: Invitae Variant Classification Sherloc (09022015). Collection method: clinical testing. Allele origin: germline.

Myriad Genetics, Inc.
Classification: Benign for Juvenile polyposis/hereditary hemorrhagic telangiectasia syndrome. Last evaluated: 2025-03-19. Review status: criteria provided, single submitter. Criteria: Myriad Autosomal Dominant, Autosomal Recessive and X-Linked Classification Criteria (2023). Collection method: clinical testing. Allele origin: unknown.
Comment: This variant is considered benign. This variant is a silent/synonymous amino acid change and it is not expected to impact splicing.

Women's Health and Genetics/Laboratory Corporation of America, LabCorp
Classification: Likely benign. Last evaluated: 2022-09-02. Review status: criteria provided, single submitter. Criteria: LabCorp Variant Classification Summary - May 2015. Collection method: clinical testing. Allele origin: germline.

Ambry Genetics
Classification: Likely benign for Hereditary cancer-predisposing syndrome; Familial thoracic aortic aneurysm and aortic dissection. Last evaluated: 2020-03-28. Review status: criteria provided, single submitter. Criteria: Ambry Variant Classification Scheme 2023. Collection method: clinical testing. Allele origin: germline.

GeneDx
Classification: Likely benign. Last evaluated: 2018-01-29. Review status: criteria provided, single submitter. Criteria: GeneDx Variant Classification (06012015). Collection method: clinical testing. Allele origin: germline. Affected: yes.
Comment: This variant is considered likely benign or benign based on one or more of the following criteria: it is a conservative change, it occurs at a poorly conserved position in the protein, it is predicted to be benign by multiple in silico algorithms, and/or has population frequency not consistent with disease.

Color Diagnostics, LLC DBA Color Health
Classification: Likely benign for Hereditary cancer-predisposing syndrome. Last evaluated: 2016-12-21. Review status: criteria provided, single submitter. Criteria: ACMG Guidelines, 2015. Collection method: clinical testing. Allele origin: germline.